The following is an entry in ClinVar:

ClinVar aggregate classification (germline): Uncertain significance (1 of 4 stars; one submission).

gnomAD v4.1: 2 of 1,613,942 alleles (0.00012%); no homozygotes.

Submission:

Labcorp Genetics (formerly Invitae), Labcorp
Classification: Uncertain significance. Last evaluated: 2023-11-28. Review status: criteria provided, single submitter. Criteria: Invitae Variant Classification Sherloc (09022015). Collection method: clinical testing. Allele origin: germline.
Comment: This sequence change replaces histidine, which is basic and polar, with tyrosine, which is neutral and polar, at codon 616 of the ARHGEF1 protein (p.His616Tyr). This variant is not present in population databases (gnomAD no frequency). This variant has not been reported in the literature in individuals affected with ARHGEF1-related conditions. An algorithm developed to predict the effect of missense changes on protein structure and function (PolyPhen-2) suggests that this variant is likely to be tolerated. In summary, the available evidence is currently insufficient to determine the role of this variant in disease. Therefore, it has been classified as a Variant of Uncertain Significance.

NM_004706.4(ARHGEF1):c.1801C>T (p.His601Tyr)

Gene: ARHGEF1 (Rho guanine nucleotide exchange factor 1; plus strand). Cytogenetic location: 19q13.2.
Variant type: single nucleotide variant.
Coding change: c.1801C>T on transcript NM_004706.4 (MANE Select); coding-DNA position 1801, C replaced by T.
Protein change: p.His601Tyr; replaces histidine 601 with tyrosine.
Molecular consequence: missense variant. On other transcripts: non-coding transcript variant (2).
Genome position (GRCh38, 1-based): chr19:41,903,369, C>T. VCF-style: chr19-41903369-C-T. GRCh37 (hg19) VCF-style: chr19-42407519-C-T.
Other names: c.1969C>T, p.His657Tyr (NM_001396000.1); c.1702C>T, p.His568Tyr (NM_001396002.1, NM_001396004.1, NM_198977.2); c.1801C>T, p.His601Tyr (NM_001396003.1, NM_001396006.1); c.1846C>T, p.His616Tyr (NM_199002.2); short protein forms H657Y, H568Y, H601Y, H616Y.
Identifiers: ClinVar variation 2699592 (VCV002699592.3), dbSNP rs537183661, ClinGen allele CA308592135.